The following is an entry in ClinVar:

ClinVar aggregate classification (germline): Conflicting classifications of pathogenicity. Review status: criteria provided, conflicting classifications (1 of 4 stars). 2 submissions from 2 submitters: Pathogenic (1); Uncertain significance (1). Last evaluated 2025-12-20.

Conditions:
Charcot-Marie-Tooth disease dominant intermediate C (CMTDIC). Also called: CHARCOT-MARIE-TOOTH NEUROPATHY, DOMINANT INTERMEDIATE C. Identifiers: Orphanet 100045, MedGen C1842237, MONDO:0012012, OMIM 608323.
Inborn genetic diseases. Identifiers: MedGen C0950123, MeSH D030342.

Submissions (2):

Labcorp Genetics (formerly Invitae), Labcorp
Classification: Uncertain significance for Charcot-Marie-Tooth disease dominant intermediate C. Last evaluated: 2025-12-20. Review status: criteria provided, single submitter. Criteria: Invitae Variant Classification Sherloc (09022015). Collection method: clinical testing. Allele origin: germline.
Comment: This sequence change creates a premature translational stop signal (p.Leu426*) in the YARS gene. It is expected to result in an absent or disrupted protein product. However, the current clinical and genetic evidence is not sufficient to establish whether loss-of-function variants in YARS cause disease. This variant is not present in population databases (gnomAD no frequency). This premature translational stop signal has been observed in individual(s) with clinical features of YARS-related conditions (internal data). ClinVar contains an entry for this variant (Variation ID: 1045888). Algorithms developed to predict the effect of sequence changes on RNA splicing suggest that this variant may disrupt the consensus splice site. In summary, the available evidence is currently insufficient to determine the role of this variant in disease. Therefore, it has been classified as a Variant of Uncertain Significance.

Ambry Genetics
Classification: Pathogenic for Inborn genetic diseases. Last evaluated: 2023-10-02. Review status: criteria provided, single submitter. Criteria: Ambry Variant Classification Scheme 2023. Collection method: clinical testing. Allele origin: germline.
Comment: The c.1276delC (p.L426*) alteration, located in exon 11 (coding exon 11) of the YARS gene, consists of a deletion of one nucleotide at position 1276. This changes the amino acid from a leucine (L) to a stop codon at amino acid position 426. Although biallelic loss of function of YARS1 has been associated with cytoplasmic tyrosyl-tRNA synthetase deficiency, haploinsufficiency of YARS1 has not been established as a mechanism of disease for YARS1-related intermediate Charcot-Marie-Tooth disease. Based on the available evidence, the c.1276delC (p.L426*) variant is pathogenic for autosomal recessive cytoplasmic tyrosyl-tRNA synthetase deficiency; however, its clinical significance for autosomal dominant YARS1-related intermediate Charcot-Marie-Tooth disease is uncertain. This variant was not reported in population-based cohorts in the Genome Aggregation Database (gnomAD). Based on the available evidence, this alteration is classified as pathogenic.

NM_003680.4(YARS1):c.1276del (p.Asn425_Leu426insTer)

Gene: YARS1 (tyrosyl-tRNA synthetase 1; minus strand). Cytogenetic location: 1p35.1.
Variant type: Deletion.
Coding change: c.1276del on transcript NM_003680.4 (MANE Select); coding-DNA position 1276, one base deleted (C; older notation c.1276delC).
Protein change: p.Asn425_Leu426insTer.
Molecular consequence: nonsense.
Genome position (GRCh38, 1-based): chr1:32,780,143, G deleted on the plus strand (C on the coding strand, the reverse complement: YARS1 is on the minus strand); the first of 2 consecutive G bases (chr1:32,780,143-32,780,144); deleting either gives the same sequence. VCF-style (leftmost placement, unchanged base first): chr1-32780142-AG-A. GRCh37 (hg19) VCF-style: chr1-33245743-AG-A.
Other names: c.1276delC (NM_003680.3).
Identifiers: ClinVar variation 1045888 (VCV001045888.6), dbSNP rs764028295, ClinGen allele CA20273810.
Genomic context (GRCh38, chr1:32,780,142, plus strand): 5'-CACATAGAAGCACACAGAAGCATGCCTTGGGACTCGACTCCTCTCATCTTCTGGGGTTTC[AG>A]GTTGCACAGCACCACTACCAGCCTGTCCTGCAGTTCCTCCTTGGGCACGAACTGTACCAG-3'